The following is an entry in ClinVar:

NC_000010.10:g.(?_267115)_(460070_?)dup

Genes: DIP2C (disco interacting protein 2 homolog C; minus strand), ZMYND11 (zinc finger MYND-type containing 11; plus strand). Cytogenetic location: 10p15.3.
Variant type: Duplication.
Identifiers: ClinVar variation 2425624 (VCV002425624.4).

ClinVar aggregate classification (germline): Uncertain significance (1 of 4 stars; one submission).

Submission:

Labcorp Genetics (formerly Invitae), Labcorp
Classification: Uncertain significance. Last evaluated: 2022-08-31. Review status: criteria provided, single submitter. Criteria: Invitae Variant Classification Sherloc (09022015). Collection method: clinical testing. Allele origin: germline.
Comment: In summary, the available evidence is currently insufficient to determine the role of this variant in disease. Therefore, it has been classified as a Variant of Uncertain Significance. Experimental studies and prediction algorithms are not available or were not evaluated, and the functional significance of this variant is currently unknown. This variant has not been reported in the literature in individuals affected with ZMYND11-related conditions. This variant results in a copy number gain of the genomic region encompassing exon(s) 4-15 of the ZMYND11 gene. This region includes the termination codon of the gene. This copy number gain extends beyond the assayed region for this gene and therefore may encompass additional genes. As the precise location of this event is unknown, it may be in tandem or it may be located elsewhere in the genome.